The following is an entry in ClinVar:

NM_000179.3(MSH6):c.3312T>A (p.Phe1104Leu)

Gene: MSH6 (mutS homolog 6; plus strand). Cytogenetic location: 2p16.3.
Variant type: single nucleotide variant.
Coding change: c.3312T>A on transcript NM_000179.3 (MANE Select); coding-DNA position 3312, T replaced by A.
Protein change: p.Phe1104Leu; replaces phenylalanine 1104 with leucine.
Molecular consequence: missense variant.
Genome position (GRCh38, 1-based): chr2:47,803,559, T>A. VCF-style: chr2-47803559-T-A. GRCh37 (hg19) VCF-style: chr2-48030698-T-A.
Other names: c.2406T>A, p.Phe802Leu (NM_001281494.2, NM_001281493.2); c.2922T>A, p.Phe974Leu (NM_001281492.2); short protein forms F1104L, F974L, F802L.
Identifiers: ClinVar variation 221123 (VCV000221123.26), dbSNP rs747441460, ClinGen allele CA070636.

ClinVar aggregate classification (germline): Conflicting classifications of pathogenicity. Review status: criteria provided, conflicting classifications (1 of 4 stars). 8 submissions from 8 submitters: Uncertain significance (5); Benign (1); Likely benign (2). Last evaluated 2026-09-11.

Conditions:
Hereditary nonpolyposis colorectal neoplasms. Identifiers: MedGen C0009405, MeSH D003123.
Hereditary cancer-predisposing syndrome. Also called: Hereditary Cancer Syndrome; Tumor predisposition; Hereditary neoplastic syndrome; Neoplastic Syndromes, Hereditary. Identifiers: Orphanet 140162, MedGen C0027672, MeSH D009386, MONDO:0015356.
Endometrial carcinoma. Also called: Endometrial carcinoma, somatic. Identifiers: MedGen C0476089, MONDO:0002447, OMIM 608089, HP:0012114.
Lynch syndrome 5 (LYNCH5). Also called: Colorectal cancer, hereditary nonpolyposis, type 5; Hereditary non-polyposis colorectal cancer, type 5. Identifiers: Orphanet 144, MedGen C1833477, MONDO:0013710, OMIM 614350. Disease mechanism: loss of function.
Mismatch repair cancer syndrome 1 (MMRCS1). Also called: BRAIN TUMOR-POLYPOSIS SYNDROME 1; BTP1 SYNDROME; CHILDHOOD CANCER SYNDROME; MISMATCH REPAIR DEFICIENCY; MMR DEFICIENCY. Identifiers: Orphanet 252202, MedGen C5399763, MONDO:0010159, OMIM 276300. Disease mechanism: loss of function.

Allele frequency attached by ClinVar (database versions not stated): gnomAD exomes 0.00002; TOPMed 0.00003; ExAC 0.00003; gnomAD 0.00001.
gnomAD v4.1: 7 of 1,614,030 alleles (0.00043%); highest among the groups gnomAD compares: Admixed American, 0.012%; no homozygotes.

Submissions (8):

Myriad Genetics, Inc.
Classification: Likely benign for Lynch syndrome 5. Last evaluated: 2026-09-11. Review status: criteria provided, single submitter. Criteria: Myriad Autosomal Dominant, Autosomal Recessive and X-Linked Classification Criteria (2023). Collection method: clinical testing. Allele origin: unknown.
Comment: This variant is considered likely benign. Homozygosity for this variant has been confirmed in one or more individuals lacking clinical features consistent with gene-specific recessive disease, indicating that this variant is unlikely to be pathogenic.

Women's Health and Genetics/Laboratory Corporation of America, LabCorp
Classification: Uncertain significance. Last evaluated: 2026-03-17. Review status: criteria provided, single submitter. Criteria: LabCorp Variant Classification Summary - May 2015. Collection method: clinical testing. Allele origin: germline.
Comment: Variant summary: MSH6 c.3312T>A (p.Phe1104Leu) results in a non-conservative amino acid change in the encoded protein sequence. Algorithms developed to predict the effect of missense changes on protein structure and function are either unavailable or do not agree on the potential impact of this missense change. The variant allele was found at a frequency of 2e-05 in 251434 control chromosomes. The available data on variant occurrences in the general population are insufficient to allow any conclusion about variant significance. c.3312T>A has been observed in individual(s) affected with metastatic rectal adenocarcinoma (Patel_2018). These report(s) do not provide unequivocal conclusions about association of the variant with Hereditary Nonpolyposis Colorectal Cancer. To our knowledge, no experimental evidence demonstrating an impact on protein function has been reported. The following publication have been ascertained in the context of this evaluation (PMID: 30072391). ClinVar contains an entry for this variant (Variation ID: 221123). Based on the evidence outlined above, the variant was classified as uncertain significance.

Labcorp Genetics (formerly Invitae), Labcorp
Classification: Benign for Hereditary nonpolyposis colorectal neoplasms. Last evaluated: 2026-01-19. Review status: criteria provided, single submitter. Criteria: Invitae Variant Classification Sherloc (09022015). Collection method: clinical testing. Allele origin: germline.

Quest Diagnostics Nichols Institute San Juan Capistrano
Classification: Uncertain significance. Last evaluated: 2025-07-31. Review status: criteria provided, single submitter. Criteria: Quest Diagnostics criteria. Collection method: clinical testing. Allele origin: unknown.
Comment: The MSH6 c.3312T>A (p.Phe1104Leu) variant has been reported in the published literature in an individual with colorectal cancer (PMID: 30072391 (2018)). The frequency of this variant in the general population (Genome Aggregation Database) is uninformative in the assessment of its pathogenicity. Analysis of this variant using bioinformatics tools for the prediction of the effect of amino acid changes on protein structure and function yielded predictions that this variant is damaging. Based on the available information, we are unable to determine the clinical significance of this variant.

Color Diagnostics, LLC DBA Color Health
Classification: Uncertain significance for Hereditary cancer-predisposing syndrome. Last evaluated: 2024-06-04. Review status: criteria provided, single submitter. Criteria: ACMG Guidelines, 2015. Collection method: clinical testing. Allele origin: germline.
Comment: This missense variant replaces phenylalanine with leucine at codon 1104 of the MSH6 protein. Computational prediction is inconclusive regarding the impact of this variant on protein structure and function (internally defined REVEL score threshold 0.5 < inconclusive < 0.7, PMID: 27666373). To our knowledge, functional studies have not been reported for this variant. This variant has been reported in an individual affected with colorectal cancer with a family history of multiple ovarian cancers, and the variant was reported in cis with the MSH6 variant c.3260C>A, p.Pro1087His (PMID: 30072391). This variant has been identified in 5/251434 chromosomes in the general population by the Genome Aggregation Database (gnomAD). The available evidence is insufficient to determine the role of this variant in disease conclusively. Therefore, this variant is classified as a Variant of Uncertain Significance.

Ambry Genetics
Classification: Likely benign for Hereditary cancer-predisposing syndrome. Last evaluated: 2022-01-12. Review status: criteria provided, single submitter. Criteria: Ambry Variant Classification Scheme 2023. Collection method: clinical testing. Allele origin: germline.

GeneDx
Classification: Uncertain significance. Last evaluated: 2020-03-05. Review status: criteria provided, single submitter. Criteria: GeneDx Variant Classification Process June 2021. Collection method: clinical testing. Allele origin: germline. Affected: yes.
Comment: In silico analysis supports that this missense variant does not alter protein structure/function; Observed in cis with MSH6 p.Pro1087His in an individual with rectal cancer (Patel 2018); This variant is associated with the following publications: (PMID: 30072391)

Fulgent Genetics
Classification: Uncertain significance for Mismatch repair cancer syndrome 1; Endometrial carcinoma; Lynch syndrome 5. Last evaluated: 2018-10-31. Review status: criteria provided, single submitter. Criteria: ACMG Guidelines, 2015. Collection method: clinical testing. Allele origin: unknown.

Literature cited by the submitters: PubMed 30072391 (cited by 4 submitters).